The following is an entry in ClinVar:

ClinVar aggregate classification (germline): Uncertain significance (1 of 4 stars; one submission).

Submission:

Greenwood Genetic Center Diagnostic Laboratories, Greenwood Genetic Center
Classification: Uncertain significance. Last evaluated: 2025-11-13. Review status: criteria provided, single submitter. Criteria: ACMG Guidelines, 2015. Collection method: clinical testing. Allele origin: germline. Affected: yes.
Comment: Gene of Uncertain Significance

NM_001378687.1(ATP2C1):c.2431A>C (p.Thr811Pro)

Gene: ATP2C1 (ATPase secretory pathway Ca2+ transporting 1; plus strand). Cytogenetic location: 3q22.1.
Variant type: single nucleotide variant.
Coding change: c.2431A>C on transcript NM_001378687.1 (MANE Select); coding-DNA position 2431, A replaced by C.
Protein change: p.Thr811Pro; replaces threonine 811 with proline.
Molecular consequence: missense variant.
Genome position (GRCh38, 1-based): chr3:130,998,333, A>C. VCF-style: chr3-130998333-A-C. GRCh37 (hg19) VCF-style: chr3-130717177-A-C.
Other names: c.2431A>C, p.Thr811Pro (NM_001001485.3, NM_001001486.2, NM_001001487.2 and 5 more transcripts); c.2533A>C, p.Thr845Pro (NM_001199180.2, NM_001199181.3, NM_001378511.1); c.2416A>C, p.Thr806Pro (NM_001199182.2); c.2383A>C, p.Thr795Pro (NM_001199183.2, NM_001199184.3, NM_001378514.1); short protein forms T795P, T806P, T811P, T845P.
Identifiers: ClinVar variation 4845458 (VCV004845458.1).